The following is an entry in ClinVar:

NM_016222.4(DDX41):c.215G>C (p.Gly72Ala)

Gene: DDX41 (DEAD-box helicase 41; minus strand). Cytogenetic location: 5q35.3.
Variant type: single nucleotide variant.
Coding change: c.215G>C on transcript NM_016222.4 (MANE Select); coding-DNA position 215, G replaced by C.
Protein change: p.Gly72Ala; replaces glycine 72 with alanine.
Molecular consequence: missense variant. On other transcripts: 5 prime UTR variant (2).
Genome position (GRCh38, 1-based): chr5:177,516,371, C>G on the plus strand (G>C on the coding strand, the complement: DDX41 is on the minus strand). VCF-style: chr5-177516371-C-G. GRCh37 (hg19) VCF-style: chr5-176943372-C-G.
Other names: c.-164G>C (NM_001321732.2, NM_001321830.2); short protein forms G72A.
Identifiers: ClinVar variation 5035173 (VCV005035173.1).

ClinVar aggregate classification (germline): Uncertain significance (1 of 4 stars; one submission).

Conditions:
Inborn genetic diseases. Identifiers: MedGen C0950123, MeSH D030342.

Submission:

Ambry Genetics
Classification: Uncertain significance for Inborn genetic diseases. Last evaluated: 2026-08-29. Review status: criteria provided, single submitter. Criteria: Ambry Variant Classification Scheme 2023. Collection method: clinical testing. Allele origin: germline.
Comment: The p.G72A variant (also known as c.215G>C), located in coding exon 3 of the DDX41 gene, results from a G to C substitution at nucleotide position 215. The glycine at codon 72 is replaced by alanine, an amino acid with similar properties. This amino acid position is conserved. In addition, this alteration is predicted to be tolerated by in silico analysis. Based on the available evidence, the clinical significance of this variant remains unclear.